The following is an entry in ClinVar:

ClinVar aggregate classification (germline): Likely benign. Review status: criteria provided, multiple submitters, no conflicts (2 of 4 stars). 4 submissions from 4 submitters: Likely benign (4). Last evaluated 2025-02-20.

Conditions:
Inborn genetic diseases. Identifiers: MedGen C0950123, MeSH D030342.

Allele frequency attached by ClinVar (database versions not stated): gnomAD exomes 0.00001; TOPMed 0.00001.
gnomAD v4.1: 23 of 1,613,992 alleles (0.0014%); highest among the groups gnomAD compares: Middle Eastern, 0.033%; no homozygotes.

Submissions (4):

Ambry Genetics
Classification: Likely benign for Inborn genetic diseases. Last evaluated: 2025-02-20. Review status: criteria provided, single submitter. Criteria: Ambry Variant Classification Scheme 2023. Collection method: clinical testing. Allele origin: germline.

Labcorp Genetics (formerly Invitae), Labcorp
Classification: Likely benign. Last evaluated: 2025-01-10. Review status: criteria provided, single submitter. Criteria: Invitae Variant Classification Sherloc (09022015). Collection method: clinical testing. Allele origin: germline.

Blueprint Genetics
Classification: Likely benign. Last evaluated: 2023-01-04. Review status: criteria provided, single submitter. Criteria: ACMG Guidelines, 2015. Collection method: clinical testing. Allele origin: germline.

CeGaT Center for Human Genetics Tuebingen
Classification: Likely benign. Last evaluated: 2022-06-01. Review status: criteria provided, single submitter. Criteria: CeGaT Center For Human Genetics Tuebingen Variant Classification Criteria Version 2. Collection method: clinical testing. Allele origin: germline. Affected: yes. Observed: 1 variant allele.
Comment: ASXL1: BP4, BP7

NM_015338.6(ASXL1):c.474G>A (p.Ala158=)

Gene: ASXL1 (ASXL transcriptional regulator 1; plus strand). Cytogenetic location: 20q11.21.
Variant type: single nucleotide variant.
Coding change: c.474G>A on transcript NM_015338.6 (MANE Select); coding-DNA position 474, G replaced by A.
Protein change: p.Ala158=; no amino-acid change (alanine 158 retained).
Molecular consequence: synonymous variant.
Genome position (GRCh38, 1-based): chr20:32,429,340, G>A. VCF-style: chr20-32429340-G-A. GRCh37 (hg19) VCF-style: chr20-31017143-G-A.
Other names: c.444G>A, p.Ala148= (NM_001363734.1).
Identifiers: ClinVar variation 792141 (VCV000792141.32), dbSNP rs1475343959, ClinGen allele CA510200547.
Genomic context (GRCh38, chr20:32,429,340, plus strand): 5'-ATGCTTTTGTGGCTCTGCAGTTGACTTGGGCTCTCTTTTGTTCTCTCTTGGAACGCAGGC[G>A]AACAAACAAAAGAAAAAGACTGGGGTGATGCTGCCTCGAGTTGTCCTGACTCCTCTGAAG-3'
Protein context (NP_056153.2, residues 148-168): PRDSYRASSQ[Ala158=]NKQKKKTGVM